The following is an entry in ClinVar:

NM_001365999.1(SZT2):c.1627-1G>A

Gene: SZT2 (SZT2 subunit of KICSTOR complex; plus strand). Cytogenetic location: 1p34.2.
Variant type: single nucleotide variant.
Coding change: c.1627-1G>A on transcript NM_001365999.1 (MANE Select); the canonical splice acceptor site of the intron before coding-DNA position 1627, G replaced by A.
Molecular consequence: splice acceptor variant.
Genome position (GRCh38, 1-based): chr1:43,422,082, G>A. VCF-style: chr1-43422082-G-A. GRCh37 (hg19) VCF-style: chr1-43887753-G-A.
Other names: c.1627-1G>A (NM_015284.4).
Identifiers: ClinVar variation 4280117 (VCV004280117.1).

ClinVar aggregate classification (germline): Likely pathogenic (1 of 4 stars; one submission).

Conditions:
Hereditary spherocytosis type 3. Also called: Spherocytosis type 3; SPTA1-Related Spherocytosis. Identifiers: Orphanet 822, MedGen C2678338, MONDO:0010053, OMIM 270970.

Submission:

Johns Hopkins Genomics, Johns Hopkins University
Classification: Likely pathogenic for Hereditary spherocytosis type 3. Last evaluated: 2024-12-20. Review status: criteria provided, single submitter. Criteria: ACMG Guidelines, 2015. Collection method: clinical testing. Allele origin: germline.
Comment: This SZT2 variant (rs972104912) is rare (<0.1%) in a large population dataset (gnomAD: 2/259836 total alleles; 0.0008%; no homozygotes) and has not been reported in ClinVar nor the literature, to our knowledge. This variant is predicted to disrupt the canonical splice acceptor site in intron 11, although this has not been confirmed experimentally to our knowledge. We consider c.1627-1G>A likely pathogenic for autosomal recessive developmental and epileptic encephalopathy-18.

Literature cited by the submitters: PubMed 23932106; PubMed 28556953; PubMed 32402703.